The following is an entry in ClinVar:

NM_000811.3(GABRA6):c.1009del (p.Arg337fs)

Gene: GABRA6 (gamma-aminobutyric acid type A receptor subunit alpha6; plus strand). Cytogenetic location: 5q34.
Variant type: Deletion.
Coding change: c.1009del on transcript NM_000811.3 (MANE Select); coding-DNA position 1009, one base deleted (A; older notation c.1009delA).
Protein change: p.Arg337fs; shifts the reading frame from arginine 337.
Molecular consequence: frameshift variant.
Genome position (GRCh38, 1-based): chr5:161,692,123, A deleted; the last of 4 consecutive A bases (chr5:161,692,120-161,692,123); deleting any one gives the same sequence. VCF-style (leftmost placement, unchanged base first): chr5-161692119-CA-C. GRCh37 (hg19) VCF-style: chr5-161119125-CA-C.
Other names: short protein forms R337fs.
Identifiers: ClinVar variation 423810 (VCV000423810.3), dbSNP rs765780675, ClinGen allele CA3544071.

ClinVar aggregate classification (germline): Uncertain significance (1 of 4 stars; one submission).

Conditions:
GABRA6-related disorder. Also called: GABRA6-related condition.

Submission:

GeneDx
Classification: Uncertain significance. Last evaluated: 2017-03-01. Review status: criteria provided, single submitter. Criteria: GeneDx Variant Classification (06012015). Collection method: clinical testing. Allele origin: germline. Affected: yes.
Comment: The c.1009delA variant in the GABRA6 gene has not been reported previously as a pathogenic variant nor as a benign variant, to our knowledge. The c.1009delA variant causes a frameshift starting with codon Arginine 337, changes this amino acid to a Glycine residue, and creates a premature Stop codon at position 11 of the new reading frame, denoted p.Arg337GlyfsX11. This variant is predicted to cause loss of normal protein function either through protein truncation or nonsense-mediated mRNA decay. The c.1009delA variant is not observed at a significant frequency in large population cohorts (Lek et al., 2016; 1000 Genomes Consortium et al., 2015; Exome Variant Server). We interpret c.1009delA as a variant of uncertain significance.